The following is an entry in ClinVar:

NM_001009944.3(PKD1):c.4712C>A (p.Ser1571Ter)

Gene: PKD1 (polycystin 1, transient receptor potential channel interacting; minus strand). Cytogenetic location: 16p13.3.
Variant type: single nucleotide variant.
Coding change: c.4712C>A on transcript NM_001009944.3 (MANE Select); coding-DNA position 4712, C replaced by A.
Protein change: p.Ser1571Ter; replaces serine 1571 with a stop codon.
Molecular consequence: nonsense.
Genome position (GRCh38, 1-based): chr16:2,110,455, G>T on the plus strand (C>A on the coding strand, the complement: PKD1 is on the minus strand). VCF-style: chr16-2110455-G-T. GRCh37 (hg19) VCF-style: chr16-2160456-G-T.
Other names: c.4712C>A, p.Ser1571Ter (NM_000296.4); short protein forms S1571*.
Identifiers: ClinVar variation 3376946 (VCV003376946.2).

ClinVar aggregate classification (germline): Pathogenic. Review status: criteria provided, multiple submitters, no conflicts (2 of 4 stars). 2 submissions from 2 submitters: Pathogenic (2). Last evaluated 2024-10-08.

Conditions:
Polycystic kidney disease, adult type (PKD1). Also called: POLYCYSTIC KIDNEY DISEASE, ADULT, TYPE I; Polycystic Kidney Disease 1, Autosomal Dominant; Polycystic kidney disease 1; Polycystic kidney disease 1, severe; Polycystic Kidney, Autosomal Dominant; POLYCYSTIC KIDNEY DISEASE 1 WITH OR WITHOUT POLYCYSTIC LIVER DISEASE. Identifiers: MedGen C3149841, MONDO:0008263, OMIM 173900.

Submissions (2):

Victorian Clinical Genetics Services, Murdoch Childrens Research Institute
Classification: Pathogenic for Polycystic kidney disease, adult type. Last evaluated: 2024-10-08. Review status: criteria provided, single submitter. Criteria: ACMG Guidelines, 2015. Collection method: clinical testing. Allele origin: germline. Inheritance: Autosomal dominant inheritance. Affected: yes.
Comment: Based on the classification scheme VCGS_Germline_v1.3.4, this variant is classified as Pathogenic. Following criteria are met: 0102 - Loss of function is a known mechanism of disease in this gene and is associated with polycystic kidney disease 1 (MIM#173900). (I) 0107 - This gene is associated with autosomal dominant disease. Polycystic kidney disease 1 (MIM#173900) is predominantly caused by monoallelic variants, with rare reports of biallelic variants causing disease (OMIM). (I) 0201 - Variant is predicted to cause nonsense-mediated decay (NMD) and loss of protein (premature termination codon is located at least 54 nucleotides upstream of the final exon-exon junction). (SP) 0251 - This variant is heterozygous. (I) 0301 - Variant is absent from gnomAD (both v2 and v3). (SP) 0701 - Other NMD-predicted variants comparable to the one identified in this case have very strong previous evidence for pathogenicity. There are many NMD-predicted variants in PKD1 with strong evidence for pathogenicity (DECIPHER). (SP) 0803 - This variant has limited previous evidence of pathogenicity in an unrelated individual. It has been reported once as pathogenic in an individual with ADPKD (PMID: 27782177). (SP) 0905 - No published segregation evidence has been identified for this variant. (I) 1007 - No published functional evidence has been identified for this variant. (I) 1208 - Inheritance information for this variant is not currently available in this individual. (I) Legend: (SP) - Supporting pathogenic, (I) - Information, (SB) - Supporting benign

Fulgent Genetics
Classification: Pathogenic for Polycystic kidney disease, adult type. Last evaluated: 2024-05-16. Review status: criteria provided, single submitter. Criteria: ACMG Guidelines, 2015. Collection method: clinical testing. Allele origin: germline.

Literature cited by the submitters: PubMed 27782177 (cited by Victorian Clinical Genetics Services, Murdoch Childrens Research Institute).